The following is an entry in ClinVar:

NM_004855.5(PIGB):c.808_813del (p.270SL[1])

Gene: PIGB (phosphatidylinositol glycan anchor biosynthesis class B; plus strand). Cytogenetic location: 15q21.3.
Variant type: Deletion.
Coding change: c.808_813del on transcript NM_004855.5 (MANE Select); coding-DNA positions 808 to 813, 6 bases deleted (AGTTTG; older notation c.808_813delAGTTTG).
Protein change: p.270SL[1].
Molecular consequence: inframe deletion.
Genome position (GRCh38, 1-based): chr15:55,339,280-55,339,285, AGTTTG deleted; deleting any 6 consecutive bases within chr15:55,339,276-55,339,285 gives the same sequence; the c. name uses the placement nearest the transcript's 3' end. VCF-style (leftmost placement, unchanged base first): chr15-55339275-CTTTGAG-C. GRCh37 (hg19) VCF-style: chr15-55631473-CTTTGAG-C.
Identifiers: ClinVar variation 1700818 (VCV001700818.2), dbSNP rs755957426, ClinGen allele CA270784379.

ClinVar aggregate classification (germline): Uncertain significance (1 of 4 stars; one submission).

Submission:

GeneDx
Classification: Uncertain significance. Last evaluated: 2022-02-14. Review status: criteria provided, single submitter. Criteria: GeneDx Variant Classification Process June 2021. Collection method: clinical testing. Allele origin: germline. Affected: yes.
Comment: Not observed at significant frequency in large population cohorts (gnomAD); In-frame deletion of two amino acids in a non-repeat region; Has not been previously published as pathogenic or benign to our knowledge